The following is an entry in ClinVar:

ClinVar aggregate classification (germline): Uncertain significance (1 of 4 stars; one submission).

Conditions:
Familial adenomatous polyposis 1 (FAP1). Also called: POLYPOSIS, ADENOMATOUS INTESTINAL; FAMILIAL ADENOMATOUS POLYPOSIS 1, ATTENUATED. Identifiers: MedGen C2713442, MONDO:0021056, OMIM 175100. Disease mechanism: loss of function.

Submission:

Labcorp Genetics (formerly Invitae), Labcorp
Classification: Uncertain significance for Familial adenomatous polyposis 1. Last evaluated: 2026-01-16. Review status: criteria provided, single submitter. Criteria: Invitae Variant Classification Sherloc (09022015). Collection method: clinical testing. Allele origin: germline.
Comment: This variant occurs in a non-coding region of the APC gene. It does not change the encoded amino acid sequence of the APC protein. This variant is not present in population databases (gnomAD no frequency). This variant has not been reported in the literature in individuals affected with APC-related conditions. Experimental studies and prediction algorithms are not available or were not evaluated, and the functional significance of this variant is currently unknown. In summary, the available evidence is currently insufficient to determine the role of this variant in disease. Therefore, it has been classified as a Variant of Uncertain Significance.

NC_000005.10:g.112707478G>T

Genes: APC (APC regulator of Wnt signaling pathway; plus strand), LOC129994371 (ATAC-STARR-seq lymphoblastoid active region 22910; plus strand). Cytogenetic location: 5q22.2.
Variant type: single nucleotide variant.
Genome position: GRCh38 VCF-style: chr5-112707478-G-T. GRCh37 (hg19) VCF-style: chr5-112043175-G-T.
Identifiers: ClinVar variation 1019464 (VCV001019464.10), dbSNP rs59923692, ClinGen allele CA1573442345.
Genomic context (GRCh38, chr5:112,707,478, plus strand): 5'-AGCGCAGCACCCATTGCGCCTGCGCATAACAGGCTCTAGTCTCCGGGCTGTGGGAAGCCA[G>T]CAACACCTCTCACGCATGCGCATTGTAGTCTTCCCACCTCCCACAAGATGGCGGAGGGCA-3'